The following is an entry in ClinVar:

ClinVar aggregate classification (germline): Benign/Likely benign. Review status: criteria provided, multiple submitters, no conflicts (2 of 4 stars). 3 submissions from 3 submitters: Benign (2); Likely benign (1). Last evaluated 2026-02-02.

Allele frequency attached by ClinVar (database versions not stated): ESP Exome Variant Server 0.00015; TOPMed 0.00227; gnomAD 0.00233; 1000 Genomes Project 30x 0.01218; 1000 Genomes Project 0.01278.
gnomAD v4.1: 2,193 of 1,613,906 alleles (0.14%); highest among the groups gnomAD compares: East Asian, 4.1%; 50 homozygotes.

Submissions (3):

Labcorp Genetics (formerly Invitae), Labcorp
Classification: Benign. Last evaluated: 2026-02-02. Review status: criteria provided, single submitter. Criteria: Invitae Variant Classification Sherloc (09022015). Collection method: clinical testing. Allele origin: germline.

GeneDx
Classification: Likely benign. Last evaluated: 2018-12-09. Review status: criteria provided, single submitter. Criteria: GeneDx Variant Classification Process June 2021. Collection method: clinical testing. Allele origin: germline. Affected: yes.

Women's Health and Genetics/Laboratory Corporation of America, LabCorp
Classification: Benign. Last evaluated: 2017-06-07. Review status: criteria provided, single submitter. Criteria: LabCorp Variant Classification Summary - May 2015. Collection method: clinical testing. Allele origin: germline.
Comment: Variant summary: The LPL c.429+20A>C variant involves the alteration of a non-conserved intronic nucleotide. Mutation taster predicts a benign outcome for this variant. 5/5 splice prediction tools predict no significant impact on normal splicing. This variant was found in 433/121112 control chromosomes (12 homozygotes) from ExAC, predominantly observed in the East Asian subpopulation at a frequency of 0.047977 (415/8650). This frequency is about 14 times the estimated maximal expected allele frequency of a pathogenic LPL variant (0.0033541), suggesting this is likely a benign polymorphism found primarily in the populations of East Asian origin. Taken together, this variant is classified as benign.

NM_000237.3(LPL):c.429+20A>C

Gene: LPL (lipoprotein lipase; plus strand). Cytogenetic location: 8p21.3.
Variant type: single nucleotide variant.
Coding change: c.429+20A>C on transcript NM_000237.3 (MANE Select); 20 bases into the intron after coding-DNA position 429, A replaced by C.
Molecular consequence: intron variant.
Genome position (GRCh38, 1-based): chr8:19,951,968, A>C. VCF-style: chr8-19951968-A-C. GRCh37 (hg19) VCF-style: chr8-19809479-A-C.
Identifiers: ClinVar variation 495744 (VCV000495744.11), dbSNP rs3735959, ClinGen allele CA4655409.